The following is an entry in ClinVar:

NM_005634.3(SOX3):c.726_731del (p.Ala247_Ala248del)

Gene: SOX3 (SRY-box transcription factor 3; minus strand). Cytogenetic location: Xq27.1.
Variant type: Deletion.
Coding change: c.726_731del on transcript NM_005634.3 (MANE Select); coding-DNA positions 726 to 731, 6 bases deleted (GGCCGC; older notation c.726_731delGGCCGC).
Protein change: p.Ala247_Ala248del.
Molecular consequence: inframe deletion.
Genome position (GRCh38, 1-based): chrX:140,504,330-140,504,335, GCGGCC deleted on the plus strand (GGCCGC on the coding strand, the reverse complement: SOX3 is on the minus strand); deleting any 6 consecutive bases within chrX:140,504,330-140,504,340 gives the same sequence; the c. name uses the placement nearest the transcript's 3' end. VCF-style (leftmost placement, unchanged base first): chrX-140504329-TGCGGCC-T. GRCh37 (hg19) VCF-style: chrX-139586494-TGCGGCC-T.
Identifiers: ClinVar variation 281870 (VCV000281870.36), dbSNP rs765453930, ClinGen allele CA10531628.
Genomic context (GRCh38, chrX:140,504,329, plus strand): 5'-CACGTGCGTGTACGTGTCCAGGCGCTGGCCCACGCCCACCGGACTGCTGGCGGCAGCGGC[TGCGGCC>T]GCGGCAGCGGCGGCGGCGGCCGCGGCACCGGGAGGCAGGAGGCCGCTGGGCAGGGAGTAC-3'

ClinVar aggregate classification (germline): Likely benign. Review status: criteria provided, multiple submitters, no conflicts (2 of 4 stars). 2 submissions from 2 submitters: Likely benign (2). Last evaluated 2022-05-01.

Submissions (2):

CeGaT Center for Human Genetics Tuebingen
Classification: Likely benign. Last evaluated: 2022-05-01. Review status: criteria provided, single submitter. Criteria: CeGaT Center For Human Genetics Tuebingen Variant Classification Criteria Version 2. Collection method: clinical testing. Allele origin: germline. Affected: yes. Observed: 1 variant allele.
Comment: SOX3: BS2

Eurofins Ntd Llc (ga)
Classification: Likely benign. Last evaluated: 2017-01-27. Review status: criteria provided, single submitter. Criteria: EGL Classification Definitions 2015. Collection method: clinical testing. Allele origin: germline. Observed: 2 variant alleles, 2 hemizygotes.